The following is an entry in ClinVar:

NM_001267550.2(TTN):c.56999G>A (p.Trp19000Ter)

Genes: TTN (titin; minus strand), TTN-AS1 (TTN antisense RNA 1; plus strand). Cytogenetic location: 2q31.2.
Variant type: single nucleotide variant.
Coding change: c.56999G>A on transcript NM_001267550.2 (MANE Select); coding-DNA position 56999, G replaced by A.
Protein change: p.Trp19000Ter; replaces tryptophan 19000 with a stop codon.
Molecular consequence: nonsense. On other transcripts: non-coding transcript variant (1).
Genome position (GRCh38, 1-based): chr2:178,598,618, C>T on the plus strand (G>A on the coding strand, the complement: TTN is on the minus strand). VCF-style: chr2-178598618-C-T. GRCh37 (hg19) VCF-style: chr2-179463345-C-T.
Other names: c.52076G>A, p.Trp17359Ter (NM_001256850.1); c.29804G>A, p.Trp9935Ter (NM_003319.4); c.49295G>A, p.Trp16432Ter (NM_133378.4); c.30179G>A, p.Trp10060Ter (NM_133432.3); c.30380G>A, p.Trp10127Ter (NM_133437.4); short protein forms W10127*, W17359*, W19000*, W9935*, W10060*, W16432*.
Identifiers: ClinVar variation 2035020 (VCV002035020.4), dbSNP rs2469851258, ClinGen allele CA349524514.

ClinVar aggregate classification (germline): Likely pathogenic (1 of 4 stars; one submission).

Conditions:
Dilated cardiomyopathy 1G (CMD1G). Identifiers: Orphanet 154, MedGen C1858763, MONDO:0011400, OMIM 604145.
Autosomal recessive limb-girdle muscular dystrophy type 2J (LGMDR10). Also called: Limb-girdle muscular dystrophy, type 2J; MUSCULAR DYSTROPHY, LIMB-GIRDLE, AUTOSOMAL RECESSIVE 10. Identifiers: Orphanet 140922, MedGen C1837342, MONDO:0012127, OMIM 608807.

Submission:

Labcorp Genetics (formerly Invitae), Labcorp
Classification: Likely pathogenic for Dilated cardiomyopathy 1G; Autosomal recessive limb-girdle muscular dystrophy type 2J. Last evaluated: 2025-06-18. Review status: criteria provided, single submitter. Criteria: Invitae Variant Classification Sherloc (09022015). Collection method: clinical testing. Allele origin: germline.
Comment: This sequence change creates a premature translational stop signal (p.Trp19000*) in the TTN gene. While this is not anticipated to result in nonsense mediated decay, it is expected to create a truncated TTN protein. This variant is not present in population databases (gnomAD no frequency). This variant has not been reported in the literature in individuals affected with TTN-related conditions. ClinVar contains an entry for this variant (Variation ID: 2035020). This variant is located in the A band of TTN (PMID: 25589632). Truncating variants in this region are significantly overrepresented in patients affected with dilated cardiomyopathy (PMID: 25589632). Truncating variants in this region have also been reported in individuals affected with autosomal recessive centronuclear myopathy (PMID: 23975875). In summary, the currently available evidence indicates that the variant is pathogenic, but additional data are needed to prove that conclusively. Therefore, this variant has been classified as Likely Pathogenic.

Literature cited by the submitters: PubMed 25589632; PubMed 23975875.